The following is an entry in ClinVar:

ClinVar aggregate classification (germline): Uncertain significance. Review status: criteria provided, multiple submitters, no conflicts (2 of 4 stars). 3 submissions from 3 submitters: Uncertain significance (3). Last evaluated 2025-11-11.

Conditions:
PIK3CD-related disorder. Also called: PIK3CD-related condition.
Immunodeficiency 14 (IMD14A). Also called: ACTIVATED PI3K-DELTA SYNDROME 1; IMMUNODEFICIENCY 14A WITH LYMPHOPROLIFERATION, AUTOSOMAL DOMINANT; Activated PI3K Delta Syndrome Type 1 (APDS1); p110-DELTA-ACTIVATING MUTATION CAUSING SENESCENT T CELLS, LYMPHADENOPATHY, AND IMMUNODEFICIENCY. Identifiers: Orphanet 397596, Orphanet 693661, MedGen C5907821, MONDO:0014222, OMIM 615513.

Allele frequency attached by ClinVar (database versions not stated): ExAC 0.00001; gnomAD exomes 0.00001 and 0.00002; TOPMed 0.00002; gnomAD 0.00003 and 0.00004.
gnomAD v4.1: 28 of 1,608,996 alleles (0.0017%); highest among the groups gnomAD compares: East Asian, 0.0022%; no homozygotes.

Submissions (3):

PreventionGenetics, part of Exact Sciences
Classification: Uncertain significance for PIK3CD-related condition. Last evaluated: 2025-11-11. Review status: criteria provided, single submitter. Criteria: ACMG Guidelines, 2015. Collection method: clinical testing. Allele origin: germline.
Comment: The PIK3CD c.1070C>T variant is predicted to result in the amino acid substitution p.Thr357Met. To our knowledge, this variant has not been reported in the literature. This variant is reported in 0.0031% of alleles in individuals of European (Non-Finnish) descent in gnomAD, which may be too common to be causative. Although we suspect that this variant may be benign, at this time, the clinical significance of this variant is uncertain due to the absence of conclusive functional and genetic evidence.

Labcorp Genetics (formerly Invitae), Labcorp
Classification: Uncertain significance for Activated PI3K-delta syndrome. Last evaluated: 2025-10-27. Review status: criteria provided, single submitter. Criteria: Invitae Variant Classification Sherloc (09022015). Collection method: clinical testing. Allele origin: germline.
Comment: This sequence change replaces threonine, which is neutral and polar, with methionine, which is neutral and non-polar, at codon 357 of the PIK3CD protein (p.Thr357Met). This variant is present in population databases (rs775700162, gnomAD 0.003%). This variant has not been reported in the literature in individuals affected with PIK3CD-related conditions. ClinVar contains an entry for this variant (Variation ID: 1011802). Invitae Evidence Modeling of protein sequence and biophysical properties (such as structural, functional, and spatial information, amino acid conservation, physicochemical variation, residue mobility, and thermodynamic stability) indicates that this missense variant is not expected to disrupt PIK3CD protein function with a negative predictive value of 80%. In summary, the available evidence is currently insufficient to determine the role of this variant in disease. Therefore, it has been classified as a Variant of Uncertain Significance.

Genetic Services Laboratory, University of Chicago
Classification: Uncertain significance. Last evaluated: 2024-09-25. Review status: criteria provided, single submitter. Criteria: ACMG Guidelines, 2015. Collection method: clinical testing. Allele origin: germline. Affected: no.
Comment: DNA sequence analysis of the PIK3CD gene demonstrated a sequence change, c.1070C>T, in exon 9 that results in an amino acid change, p.Thr357Met. This sequence change does not appear to have been previously described in individuals with PIK3CD-related disorders. This sequence change has been described in the gnomAD database with a frequency of 0.002% in the global population (dbSNP rs775700162). The p.Thr357Met change affects a moderately conserved amino acid residue located in a domain of the PIK3CD protein that is known to be functional. The p.Thr357Met substitution appears to be benign using several in-silico pathogenicity prediction tools (SIFT, PolyPhen2, Align GVGD, REVEL). Due to insufficient evidence and the lack of functional studies, the clinical significance of the p.Thr357Met change remains unknown at this time.

NM_005026.5(PIK3CD):c.1070C>T (p.Thr357Met)

Genes: PIK3CD (phosphatidylinositol-4,5-bisphosphate 3-kinase catalytic subunit delta; plus strand), LOC126805612 (MED14-independent group 3 enhancer GRCh37_chr1:9778914-9780113; plus strand). Cytogenetic location: 1p36.22.
Variant type: single nucleotide variant.
Coding change: c.1070C>T on transcript NM_005026.5 (MANE Select); coding-DNA position 1070, C replaced by T.
Protein change: p.Thr357Met; replaces threonine 357 with methionine.
Molecular consequence: missense variant.
Genome position (GRCh38, 1-based): chr1:9,718,743, C>T. VCF-style: chr1-9718743-C-T. GRCh37 (hg19) VCF-style: chr1-9778801-C-T.
Other names: c.1070C>T (NM_005026.4, NM_005026.3); c.1070C>T, p.Thr357Met (NM_001350234.2); c.983C>T, p.Thr328Met (NM_001350235.1); short protein forms T328M, T357M.
Identifiers: ClinVar variation 1011802 (VCV001011802.16), dbSNP rs775700162, ClinGen allele CA577086.